The following is an entry in ClinVar:

ClinVar aggregate classification (germline): Uncertain significance. Review status: criteria provided, multiple submitters, no conflicts (2 of 4 stars). 2 submissions from 2 submitters: Uncertain significance (2). Last evaluated 2025-01-15.

Conditions:
Inborn genetic diseases. Identifiers: MedGen C0950123, MeSH D030342.
EAST syndrome (SESAMES). Also called: SEIZURES, SENSORINEURAL DEAFNESS, ATAXIA, IMPAIRED INTELLECTUAL DEVELOPMENT, AND ELECTROLYTE IMBALANCE. Identifiers: Orphanet 199343, MedGen C2748572, MONDO:0013005, OMIM 612780.

Allele frequency attached by ClinVar (database versions not stated): gnomAD exomes below 0.00001.
gnomAD v4.1: 2 of 1,613,994 alleles (0.00012%); highest among the groups gnomAD compares: African/African-American, 0.0013%; no homozygotes.

Submissions (2):

Labcorp Genetics (formerly Invitae), Labcorp
Classification: Uncertain significance for EAST syndrome. Last evaluated: 2025-01-15. Review status: criteria provided, single submitter. Criteria: Invitae Variant Classification Sherloc (09022015). Collection method: clinical testing. Allele origin: germline.
Comment: This sequence change replaces methionine, which is neutral and non-polar, with threonine, which is neutral and polar, at codon 21 of the KCNJ10 protein (p.Met21Thr). This variant is not present in population databases (gnomAD no frequency). This variant has not been reported in the literature in individuals affected with KCNJ10-related conditions. ClinVar contains an entry for this variant (Variation ID: 239111). Invitae Evidence Modeling of protein sequence and biophysical properties (such as structural, functional, and spatial information, amino acid conservation, physicochemical variation, residue mobility, and thermodynamic stability) indicates that this missense variant is not expected to disrupt KCNJ10 protein function with a negative predictive value of 95%. In summary, the available evidence is currently insufficient to determine the role of this variant in disease. Therefore, it has been classified as a Variant of Uncertain Significance.

Ambry Genetics
Classification: Uncertain significance for Inborn genetic diseases. Last evaluated: 2019-04-22. Review status: criteria provided, single submitter. Criteria: Ambry Variant Classification Scheme 2023. Collection method: clinical testing. Allele origin: germline.
Comment: The p.M21T variant (also known as c.62T>C), located in coding exon 1 of the KCNJ10 gene, results from a T to C substitution at nucleotide position 62. The methionine at codon 21 is replaced by threonine, an amino acid with similar properties. This amino acid position is poorly conserved in available vertebrate species. In addition, this alteration is predicted to be tolerated by in silico analysis. Since supporting evidence is limited at this time, the clinical significance of this alteration remains unclear.

NM_002241.5(KCNJ10):c.62T>C (p.Met21Thr)

Gene: KCNJ10 (potassium inwardly rectifying channel subfamily J member 10; minus strand). Cytogenetic location: 1q23.2.
Variant type: single nucleotide variant.
Coding change: c.62T>C on transcript NM_002241.5 (MANE Select); coding-DNA position 62, T replaced by C.
Protein change: p.Met21Thr; replaces methionine 21 with threonine.
Molecular consequence: missense variant.
Genome position (GRCh38, 1-based): chr1:160,042,471, A>G on the plus strand (T>C on the coding strand, the complement: KCNJ10 is on the minus strand). VCF-style: chr1-160042471-A-G. GRCh37 (hg19) VCF-style: chr1-160012261-A-G.
Other names: short protein forms M21T.
Identifiers: ClinVar variation 239111 (VCV000239111.11), dbSNP rs878854483, ClinGen allele CA10581732.